The following is an entry in ClinVar:

NM_144631.6(ZNF513):c.1096C>T (p.Pro366Ser)

Gene: ZNF513 (zinc finger protein 513; minus strand). Cytogenetic location: 2p23.3.
Variant type: single nucleotide variant.
Coding change: c.1096C>T on transcript NM_144631.6 (MANE Select); coding-DNA position 1096, C replaced by T.
Protein change: p.Pro366Ser; replaces proline 366 with serine.
Molecular consequence: missense variant.
Genome position (GRCh38, 1-based): chr2:27,378,075, G>A on the plus strand (C>T on the coding strand, the complement: ZNF513 is on the minus strand). VCF-style: chr2-27378075-G-A. GRCh37 (hg19) VCF-style: chr2-27600942-G-A.
Other names: c.910C>T, p.Pro304Ser (NM_001201459.2); short protein forms P304S, P366S.
Identifiers: ClinVar variation 1502593 (VCV001502593.8), dbSNP rs1683427397, ClinGen allele CA346216062.

ClinVar aggregate classification (germline): Uncertain significance (1 of 4 stars; one submission).

Allele frequency attached by ClinVar (database versions not stated): gnomAD exomes below 0.00001; TOPMed below 0.00001; gnomAD 0.00001.

Submission:

Labcorp Genetics (formerly Invitae), Labcorp
Classification: Uncertain significance. Last evaluated: 2021-07-14. Review status: criteria provided, single submitter. Criteria: Invitae Variant Classification Sherloc (09022015). Collection method: clinical testing. Allele origin: germline.
Comment: This sequence change replaces proline with serine at codon 366 of the ZNF513 protein (p.Pro366Ser). The proline residue is highly conserved and there is a moderate physicochemical difference between proline and serine. This variant is not present in population databases (ExAC no frequency). This variant has not been reported in the literature in individuals affected with ZNF513-related conditions. Algorithms developed to predict the effect of missense changes on protein structure and function (SIFT, PolyPhen-2, Align-GVGD) all suggest that this variant is likely to be disruptive. In summary, the available evidence is currently insufficient to determine the role of this variant in disease. Therefore, it has been classified as a Variant of Uncertain Significance.